The following is an entry in ClinVar:

ClinVar aggregate classification (germline): Pathogenic (1 of 4 stars; one submission).

Allele frequency attached by ClinVar (database versions not stated): gnomAD exomes below 0.00001.
gnomAD v4.1: 2 of 1,614,112 alleles (0.00012%); highest among the groups gnomAD compares: Non-Finnish European, 0.00017%; no homozygotes.

Submission:

Labcorp Genetics (formerly Invitae), Labcorp
Classification: Pathogenic. Last evaluated: 2025-11-10. Review status: criteria provided, single submitter. Criteria: Invitae Variant Classification Sherloc (09022015). Collection method: clinical testing. Allele origin: germline.
Comment: This sequence change creates a premature translational stop signal (p.Gln317*) in the TET2 gene. It is expected to result in an absent or disrupted protein product. Loss-of-function variants in TET2 are known to be pathogenic (PMID: 36066697). This variant is present in population databases (no rsID available, gnomAD 0.006%). This variant has not been reported in the literature in individuals affected with TET2-related conditions. ClinVar contains an entry for this variant (Variation ID: 2804562). For these reasons, this variant has been classified as Pathogenic.

Literature cited by the submitters: PubMed 36066697.

NM_001127208.3(TET2):c.949C>T (p.Gln317Ter)

Genes: TET2 (tet methylcytosine dioxygenase 2; plus strand), TET2-AS1 (TET2 antisense RNA 1; minus strand). Cytogenetic location: 4q24.
Variant type: single nucleotide variant.
Coding change: c.949C>T on transcript NM_001127208.3 (MANE Select); coding-DNA position 949, C replaced by T.
Protein change: p.Gln317Ter; replaces glutamine 317 with a stop codon.
Molecular consequence: nonsense.
Genome position (GRCh38, 1-based): chr4:105,234,891, C>T. VCF-style: chr4-105234891-C-T. GRCh37 (hg19) VCF-style: chr4-106156048-C-T.
Other names: c.949C>T, p.Gln317Ter (NM_017628.4); short protein forms Q317*.
Identifiers: ClinVar variation 2804562 (VCV002804562.3), dbSNP rs1434577007, ClinGen allele CA357793427.